The following is an entry in ClinVar:

NM_006922.4(SCN3A):c.227C>G (p.Pro76Arg)

Gene: SCN3A (sodium voltage-gated channel alpha subunit 3; minus strand). Cytogenetic location: 2q24.3.
Variant type: single nucleotide variant.
Coding change: c.227C>G on transcript NM_006922.4 (MANE Select); coding-DNA position 227, C replaced by G.
Protein change: p.Pro76Arg; replaces proline 76 with arginine.
Molecular consequence: missense variant.
Genome position (GRCh38, 1-based): chr2:165,176,168, G>C on the plus strand (C>G on the coding strand, the complement: SCN3A is on the minus strand). VCF-style: chr2-165176168-G-C. GRCh37 (hg19) VCF-style: chr2-166032678-G-C.
Other names: c.227C>G, p.Pro76Arg (NM_001081676.2, NM_001081677.2); short protein forms P76R.
Identifiers: ClinVar variation 2824354 (VCV002824354.3), dbSNP rs2468564381, ClinGen allele CA349240776.

ClinVar aggregate classification (germline): Uncertain significance (1 of 4 stars; one submission).

Submission:

Labcorp Genetics (formerly Invitae), Labcorp
Classification: Uncertain significance. Last evaluated: 2023-01-02. Review status: criteria provided, single submitter. Criteria: Invitae Variant Classification Sherloc (09022015). Collection method: clinical testing. Allele origin: germline.
Comment: In summary, the available evidence is currently insufficient to determine the role of this variant in disease. Therefore, it has been classified as a Variant of Uncertain Significance. This sequence change replaces proline, which is neutral and non-polar, with arginine, which is basic and polar, at codon 76 of the SCN3A protein (p.Pro76Arg). This variant is not present in population databases (gnomAD no frequency). This variant has not been reported in the literature in individuals affected with SCN3A-related conditions. Advanced modeling of protein sequence and biophysical properties (such as structural, functional, and spatial information, amino acid conservation, physicochemical variation, residue mobility, and thermodynamic stability) has been performed at Invitae for this missense variant, however the output from this modeling did not meet the statistical confidence thresholds required to predict the impact of this variant on SCN3A protein function.